The following is an entry in ClinVar:

NM_017780.4(CHD7):c.331C>T (p.Pro111Ser)

Gene: CHD7 (chromodomain helicase DNA binding protein 7; plus strand). Cytogenetic location: 8q12.2.
Variant type: single nucleotide variant.
Coding change: c.331C>T on transcript NM_017780.4 (MANE Select); coding-DNA position 331, C replaced by T.
Protein change: p.Pro111Ser; replaces proline 111 with serine.
Molecular consequence: missense variant.
Genome position (GRCh38, 1-based): chr8:60,741,763, C>T. VCF-style: chr8-60741763-C-T. GRCh37 (hg19) VCF-style: chr8-61654322-C-T.
Other names: c.331C>T, p.Pro111Ser (NM_001316690.1); short protein forms P111S.
Identifiers: ClinVar variation 95785 (VCV000095785.29), dbSNP rs147164392, ClinGen allele CA223287.
Genomic context (GRCh38, chr8:60,741,763, plus strand): 5'-AGCAACACCCCTGGGAACGGACTCGCGTCTCCGCACTCGCAGTATCACACCCCTCCCGTT[C>T]CTCAGGTGCCCCATGGTGGCAGTGGTGGCGGTCAGATGGGTGTCTACCCTGGCATGCAGA-3'
Protein context (NP_060250.2, residues 101-121): PHSQYHTPPV[Pro111Ser]QVPHGGSGGG

ClinVar aggregate classification (germline): Conflicting classifications of pathogenicity. Review status: criteria provided, conflicting classifications (1 of 4 stars). 5 submissions from 5 submitters: Uncertain significance (2); Benign (1); Likely benign (2). Last evaluated 2026-01-26.

Conditions:
CHD7-related disorder. Also called: CHD7-related condition.
CHARGE syndrome (CHARGE). Also called: Hittner Hirsch Kreh syndrome; Coloboma, heart anomaly, choanal atresia, retardation, genital and ear anomalies; CHARGE association; Hall-Hittner syndrome; CHARGE ASSOCIATION--COLOBOMA, HEART ANOMALY, CHOANAL ATRESIA, RETARDATION, GENITAL AND EAR ANOMALIES. Identifiers: Orphanet 138, MedGen C0265354, MONDO:0008965.

Allele frequency attached by ClinVar (database versions not stated): 1000 Genomes Project 30x 0.00031; gnomAD exomes 0.00001; 1000 Genomes Project 0.00040; gnomAD 0.00007; TOPMed 0.00009.
gnomAD v4.1: 54 of 1,613,922 alleles (0.0033%); highest among the groups gnomAD compares: African/African-American, 0.039%; 1 homozygote.

Submissions (5):

Labcorp Genetics (formerly Invitae), Labcorp
Classification: Benign for CHARGE syndrome. Last evaluated: 2026-01-26. Review status: criteria provided, single submitter. Criteria: Invitae Variant Classification Sherloc (09022015). Collection method: clinical testing. Allele origin: germline.

PreventionGenetics, part of Exact Sciences
Classification: Likely benign for CHD7-related condition. Last evaluated: 2026-01-25. Review status: criteria provided, single submitter. Criteria: ACMG Guidelines, 2015. Collection method: clinical testing. Allele origin: germline.
Comment: This variant is classified as likely benign based on ACMG/AMP sequence variant interpretation guidelines (Richards et al. 2015 PMID: 25741868, with internal and published modifications).

CeGaT Center for Human Genetics Tuebingen
Classification: Likely benign. Last evaluated: 2024-11-01. Review status: criteria provided, single submitter. Criteria: CeGaT Center For Human Genetics Tuebingen Variant Classification Criteria Version 2. Collection method: clinical testing. Allele origin: germline. Affected: yes. Observed: 1 variant allele.
Comment: CHD7: BS2

Eurofins Ntd Llc (ga)
Classification: Uncertain significance. Last evaluated: 2013-10-16. Review status: criteria provided, single submitter. Criteria: EGL Classification Definitions 2015. Collection method: clinical testing. Allele origin: germline. Observed: 1 variant allele, 1 heterozygote.

Breakthrough Genomics
Classification: Uncertain significance. Review status: criteria provided, single submitter. Criteria: ACMG Guidelines, 2015. Collection method: not provided. Allele origin: germline. Inheritance: Autosomal recessive inheritance. Affected: yes.